The following is an entry in ClinVar:

NM_020340.5(ARFGEF3):c.4930C>T (p.Arg1644Ter)

Gene: ARFGEF3 (ARFGEF family member 3; plus strand). Cytogenetic location: 6q24.1.
Variant type: single nucleotide variant.
Coding change: c.4930C>T on transcript NM_020340.5 (MANE Select); coding-DNA position 4930, C replaced by T.
Protein change: p.Arg1644Ter; replaces arginine 1644 with a stop codon.
Molecular consequence: nonsense.
Genome position (GRCh38, 1-based): chr6:138,324,083, C>T. VCF-style: chr6-138324083-C-T. GRCh37 (hg19) VCF-style: chr6-138645220-C-T.
Other names: short protein forms R1644*.
Identifiers: ClinVar variation 1805667 (VCV001805667.1), dbSNP rs1780085744, ClinGen allele CA365783845.
Genomic context (GRCh38, chr6:138,324,083, plus strand): 5'-GACCTGCTGGGCTGCTTCCACAGCGGCACGGAGAGCTTCAGCGGGGAAGGCTGCCAGGTG[C>T]GAGTGGCGGCCCCGTCCTCCTCCCCAAGTGCCGAGGCCGAGTACTGGCGCATCCGAGCCA-3'

ClinVar aggregate classification (germline): Uncertain significance (1 of 4 stars; one submission).

Conditions:
Dystonic disorder. Also called: Dystonia. Identifiers: MedGen C0013421, MONDO:0003441, HP:0001332.

Allele frequency attached by ClinVar (database versions not stated): gnomAD exomes below 0.00001.
gnomAD v4.1: 1 of 1,613,866 alleles (0.000062%); highest among the groups gnomAD compares: Non-Finnish European, 0.000085%; no homozygotes.

Submission:

Victorian Clinical Genetics Services, Murdoch Childrens Research Institute
Classification: Uncertain significance for Dystonic disorder. Last evaluated: 2022-02-02. Review status: criteria provided, single submitter. Criteria: ACMG Guidelines, 2015. Collection method: clinical testing. Allele origin: germline. Inheritance: Autosomal dominant inheritance. Affected: yes.
Comment: Based on the classification scheme VCGS_Germline_v1.3.4, this variant is classified as VUS-3A Following criteria are met: 0105 - The mechanism of disease for this gene is not clearly established. However, loss-of-function is a likely mechanism. (I) 0107 - This gene is associated with autosomal dominant disease. This is an emerging association and while it has been discovered in a large dystonia cohort, limited clinical information was provided (PMID: 33098801). (I) 0201 - Variant is predicted to cause nonsense-mediated decay (NMD) and loss of protein (premature termination codon is located at least 54 nucleotides upstream of the final exon-exon junction). (SP) 0251 - This variant is heterozygous. (I) 0301 - Variant is absent from gnomAD (both v2 and v3). (SP) 0704 - Another NMD-predicted variant comparable to the one identified in this case has limited previous evidence for pathogenicity. Only one other NMD-predicted variant has been reported in an individual with isolated infancy-onset generalized dystonia (PMID: 33098801). (SP) 0807 - This variant has no previous evidence of pathogenicity. (I) 0905 - No published segregation evidence has been identified for this variant. (I) 1007 - No published functional evidence has been identified for this variant. (I) 1208 - Inheritance information for this variant is not currently available in this individual. (I) Legend: (SP) - Supporting pathogenic, (I) - Information, (SB) - Supporting benign

Literature cited by the submitters: PubMed 33098801.